The following is an entry in ClinVar:

NM_020297.4(ABCC9):c.3956T>C (p.Val1319Ala)

Genes: ABCC9 (ATP binding cassette subfamily C member 9; minus strand), KCNJ8-AS1 (KCNJ8 antisense RNA 1; plus strand). Cytogenetic location: 12p12.1.
Variant type: single nucleotide variant.
Coding change: c.3956T>C on transcript NM_020297.4 (MANE Select); coding-DNA position 3956, T replaced by C.
Protein change: p.Val1319Ala; replaces valine 1319 with alanine.
Molecular consequence: missense variant.
Genome position (GRCh38, 1-based): chr12:21,815,830, A>G on the plus strand (T>C on the coding strand, the complement: ABCC9 is on the minus strand). VCF-style: chr12-21815830-A-G. GRCh37 (hg19) VCF-style: chr12-21968764-A-G.
Other names: c.3956T>C, p.Val1319Ala (NM_001377273.1, NM_005691.4); c.3089T>C, p.Val1030Ala (NM_001377274.1); short protein forms V1030A, V1319A.
Identifiers: ClinVar variation 1308966 (VCV001308966.2), dbSNP rs748445967, ClinGen allele CA384136196.

ClinVar aggregate classification (germline): Uncertain significance (1 of 4 stars; one submission).

Submission:

GeneDx
Classification: Uncertain significance. Last evaluated: 2019-10-04. Review status: criteria provided, single submitter. Criteria: GeneDx Variant Classification Process June 2021. Collection method: clinical testing. Allele origin: germline. Affected: yes.
Comment: Not observed in large population cohorts (Lek et al., 2016); In silico analysis, which includes protein predictors and evolutionary conservation, supports a deleterious effect; Has not been previously published as pathogenic or benign to our knowledge